The following is an entry in ClinVar:

ClinVar aggregate classification (germline): Uncertain significance. Review status: criteria provided, multiple submitters, no conflicts (2 of 4 stars). 5 submissions from 3 submitters: Uncertain significance (5). Last evaluated 2023-04-11.

Conditions:
Retinitis pigmentosa 12 (RP12). Also called: RP WITH OR WITHOUT PPRPE; RP WITH OR WITHOUT PRESERVED PARAARTERIOLE RETINAL PIGMENT EPITHELIUM; RETINITIS PIGMENTOSA WITH OR WITHOUT PARAARTERIOLAR PRESERVATION OF RETINAL PIGMENT EPITHELIUM. Identifiers: Orphanet 791, MedGen C1838647, MONDO:0010818, OMIM 600105.
Leber congenital amaurosis 8 (LCA8). Identifiers: Orphanet 65, MedGen C3151202, MONDO:0013453, OMIM 613835.
Pigmented paravenous retinochoroidal atrophy. Identifiers: Orphanet 251295, MedGen C1868310, MONDO:0008246, OMIM 172870.

Allele frequency attached by ClinVar (database versions not stated): gnomAD 0.00001; gnomAD exomes 0.00001 and 0.00003; TOPMed 0.00001; ExAC 0.00002.
gnomAD v4.1: 15 of 1,614,102 alleles (0.00093%); highest among the groups gnomAD compares: Non-Finnish European, 0.0013%; no homozygotes.

Submissions (5):

Genome-Nilou Lab
Classification: Uncertain significance for Leber congenital amaurosis 8. Last evaluated: 2023-04-11. Review status: criteria provided, single submitter. Criteria: ACMG Guidelines, 2015. Collection method: clinical testing. Allele origin: germline. Affected: no.

Genome-Nilou Lab
Classification: Uncertain significance for Pigmented paravenous retinochoroidal atrophy. Last evaluated: 2023-04-11. Review status: criteria provided, single submitter. Criteria: ACMG Guidelines, 2015. Collection method: clinical testing. Allele origin: germline. Affected: no.

Genome-Nilou Lab
Classification: Uncertain significance for Retinitis pigmentosa 12. Last evaluated: 2023-04-11. Review status: criteria provided, single submitter. Criteria: ACMG Guidelines, 2015. Collection method: clinical testing. Allele origin: germline. Affected: no.

Labcorp Genetics (formerly Invitae), Labcorp
Classification: Uncertain significance for Leber congenital amaurosis 8; Retinitis pigmentosa 12. Last evaluated: 2022-07-06. Review status: criteria provided, single submitter. Criteria: Invitae Variant Classification Sherloc (09022015). Collection method: clinical testing. Allele origin: germline.
Comment: This sequence change replaces valine, which is neutral and non-polar, with leucine, which is neutral and non-polar, at codon 578 of the CRB1 protein (p.Val578Leu). This variant is present in population databases (rs769859765, gnomAD 0.006%). This variant has not been reported in the literature in individuals affected with CRB1-related conditions. ClinVar contains an entry for this variant (Variation ID: 1396683). Advanced modeling of protein sequence and biophysical properties (such as structural, functional, and spatial information, amino acid conservation, physicochemical variation, residue mobility, and thermodynamic stability) performed at Invitae indicates that this missense variant is not expected to disrupt CRB1 protein function. In summary, the available evidence is currently insufficient to determine the role of this variant in disease. Therefore, it has been classified as a Variant of Uncertain Significance.

Fulgent Genetics
Classification: Uncertain significance for Pigmented paravenous retinochoroidal atrophy; Retinitis pigmentosa 12; Leber congenital amaurosis 8. Last evaluated: 2021-07-13. Review status: criteria provided, single submitter. Criteria: ACMG Guidelines, 2015. Collection method: clinical testing. Allele origin: unknown.

NM_201253.3(CRB1):c.1732G>C (p.Val578Leu)

Gene: CRB1 (crumbs cell polarity complex component 1; plus strand). Cytogenetic location: 1q31.3.
Variant type: single nucleotide variant.
Coding change: c.1732G>C on transcript NM_201253.3 (MANE Select); coding-DNA position 1732, G replaced by C.
Protein change: p.Val578Leu; replaces valine 578 with leucine.
Molecular consequence: missense variant. On other transcripts: non-coding transcript variant (1).
Genome position (GRCh38, 1-based): chr1:197,421,560, G>C. VCF-style: chr1-197421560-G-C. GRCh37 (hg19) VCF-style: chr1-197390690-G-C.
Other names: c.1396G>C, p.Val466Leu (NM_001193640.2); c.1525G>C, p.Val509Leu (NM_001257965.2); c.1732G>C, p.Val578Leu (NM_001257966.2); short protein forms V578L, V466L, V509L.
Identifiers: ClinVar variation 1396683 (VCV001396683.4), dbSNP rs769859765, ClinGen allele CA1311973.